The following is an entry in ClinVar:

ClinVar aggregate classification (germline): Uncertain significance (1 of 4 stars; one submission).

Conditions:
Familial hemiplegic migraine. Identifiers: MedGen C0338484, MONDO:0000700.

Allele frequency attached by ClinVar (database versions not stated): gnomAD exomes below 0.00001; ExAC 0.00001; gnomAD 0.00001.
gnomAD v4.1: 2 of 1,613,964 alleles (0.00012%); highest among the groups gnomAD compares: Non-Finnish European, 0.00017%; no homozygotes.

Submission:

Labcorp Genetics (formerly Invitae), Labcorp
Classification: Uncertain significance for Familial hemiplegic migraine. Last evaluated: 2021-11-25. Review status: criteria provided, single submitter. Criteria: Invitae Variant Classification Sherloc (09022015). Collection method: clinical testing. Allele origin: germline.
Comment: This sequence change replaces arginine, which is basic and polar, with cysteine, which is neutral and slightly polar, at codon 225 of the ATP1A2 protein (p.Arg225Cys). In summary, the available evidence is currently insufficient to determine the role of this variant in disease. Therefore, it has been classified as a Variant of Uncertain Significance. Advanced modeling of protein sequence and biophysical properties (such as structural, functional, and spatial information, amino acid conservation, physicochemical variation, residue mobility, and thermodynamic stability) performed at Invitae indicates that this missense variant is expected to disrupt ATP1A2 protein function. This variant has not been reported in the literature in individuals affected with ATP1A2-related conditions. This variant is present in population databases (rs757623691, gnomAD 0.006%).

NM_000702.4(ATP1A2):c.673C>T (p.Arg225Cys)

Genes: ATP1A2 (ATPase Na+/K+ transporting subunit alpha 2; plus strand), LOC126805890 (CDK7 strongly-dependent group 2 enhancer GRCh37_chr1:160093987-160095186; plus strand). Cytogenetic location: 1q23.2.
Variant type: single nucleotide variant.
Coding change: c.673C>T on transcript NM_000702.4 (MANE Select); coding-DNA position 673, C replaced by T.
Protein change: p.Arg225Cys; replaces arginine 225 with cysteine.
Molecular consequence: missense variant.
Genome position (GRCh38, 1-based): chr1:160,125,178, C>T. VCF-style: chr1-160125178-C-T. GRCh37 (hg19) VCF-style: chr1-160094968-C-T.
Other names: short protein forms R225C.
Identifiers: ClinVar variation 1448026 (VCV001448026.6), dbSNP rs757623691, ClinGen allele CA1194243.